The following is an entry in ClinVar:

ClinVar aggregate classification (germline): Conflicting classifications of pathogenicity. Review status: criteria provided, conflicting classifications (1 of 4 stars). 5 submissions from 5 submitters: Uncertain significance (1); Likely benign (3). 1 of the submissions does not count toward it. Last evaluated 2026-04-06.

Conditions:
ADGRV1-related disorder. Also called: ADGRV1-related condition; ADGRV1-related disorders.

Allele frequency attached by ClinVar (database versions not stated): gnomAD exomes 0.00006 and 0.00011; ExAC 0.00017; 1000 Genomes Project 30x 0.00031; 1000 Genomes Project 0.00040; gnomAD 0.00048 and 0.00050; TOPMed 0.00061; ESP Exome Variant Server 0.00068.
gnomAD v4.1: 160 of 1,582,030 alleles (0.01%); highest among the groups gnomAD compares: African/African-American, 0.17%; no homozygotes.

Submissions (5):

Women's Health and Genetics/Laboratory Corporation of America, LabCorp
Classification: Likely benign. Last evaluated: 2026-04-06. Review status: criteria provided, single submitter. Criteria: LabCorp Variant Classification Summary - May 2015. Collection method: clinical testing. Allele origin: germline.

Labcorp Genetics (formerly Invitae), Labcorp
Classification: Likely benign. Last evaluated: 2026-01-28. Review status: criteria provided, single submitter. Criteria: Invitae Variant Classification Sherloc (09022015). Collection method: clinical testing. Allele origin: germline.

Blueprint Genetics
Classification: Likely benign. Last evaluated: 2023-12-27. Review status: criteria provided, single submitter. Criteria: ACMG Guidelines, 2015. Collection method: clinical testing. Allele origin: germline.

Eurofins Ntd Llc (ga)
Classification: Uncertain significance. Last evaluated: 2016-12-29. Review status: criteria provided, single submitter. Criteria: EGL Classification Definitions 2015. Collection method: clinical testing. Allele origin: germline. Observed: 1 variant allele, 1 heterozygote.

PreventionGenetics, part of Exact Sciences
Classification: Likely benign for ADGRV1-related condition. Last evaluated: 2024-08-27. Review status: no assertion criteria provided. Collection method: clinical testing. Allele origin: germline. Not counted in ClinVar's aggregate classification.
Comment: This variant is classified as likely benign based on ACMG/AMP sequence variant interpretation guidelines (Richards et al. 2015 PMID: 25741868, with internal and published modifications).

NM_032119.4(ADGRV1):c.13654-7C>T

Gene: ADGRV1 (adhesion G protein-coupled receptor V1; plus strand). Cytogenetic location: 5q14.3.
Variant type: single nucleotide variant.
Coding change: c.13654-7C>T on transcript NM_032119.4 (MANE Select); 7 bases into the intron before coding-DNA position 13654, C replaced by T.
Molecular consequence: intron variant.
Genome position (GRCh38, 1-based): chr5:90,788,064, C>T. VCF-style: chr5-90788064-C-T. GRCh37 (hg19) VCF-style: chr5-90083881-C-T.
Identifiers: ClinVar variation 498855 (VCV000498855.19), dbSNP rs373551551, ClinGen allele CA3341581.